The following is an entry in ClinVar:

NM_000264.5(PTCH1):c.3952C>T (p.Pro1318Ser)

Gene: PTCH1 (patched 1; minus strand). Cytogenetic location: 9q22.32.
Variant type: single nucleotide variant.
Coding change: c.3952C>T on transcript NM_000264.5 (MANE Select); coding-DNA position 3952, C replaced by T.
Protein change: p.Pro1318Ser; replaces proline 1318 with serine.
Molecular consequence: missense variant. On other transcripts: non-coding transcript variant (1).
Genome position (GRCh38, 1-based): chr9:95,447,304, G>A on the plus strand (C>T on the coding strand, the complement: PTCH1 is on the minus strand). VCF-style: chr9-95447304-G-A. GRCh37 (hg19) VCF-style: chr9-98209586-G-A.
Other names: c.3754C>T, p.Pro1252Ser (NM_001083602.3); c.3949C>T, p.Pro1317Ser (NM_001083603.3); c.3499C>T, p.Pro1167Ser (NM_001083604.3, NM_001083605.3, NM_001083606.3 and 1 more transcripts); c.3796C>T, p.Pro1266Ser (NM_001354918.2); short protein forms P1167S, P1317S, P1266S, P1318S, P1252S.
Identifiers: ClinVar variation 3666978 (VCV003666978.2).

ClinVar aggregate classification (germline): Uncertain significance (1 of 4 stars; one submission).

Conditions:
Gorlin syndrome. Also called: Basal cell nevus syndrome; Nevoid Basal Cell Carcinoma Syndrome. Identifiers: Orphanet 377, MedGen C0004779, MONDO:0007187.

Submission:

Labcorp Genetics (formerly Invitae), Labcorp
Classification: Uncertain significance for Gorlin syndrome. Last evaluated: 2025-01-15. Review status: criteria provided, single submitter. Criteria: Invitae Variant Classification Sherloc (09022015). Collection method: clinical testing. Allele origin: germline.
Comment: This sequence change replaces proline, which is neutral and non-polar, with serine, which is neutral and polar, at codon 1318 of the PTCH1 protein (p.Pro1318Ser). This variant is not present in population databases (gnomAD no frequency). This variant has not been reported in the literature in individuals affected with PTCH1-related conditions. Invitae Evidence Modeling of protein sequence and biophysical properties (such as structural, functional, and spatial information, amino acid conservation, physicochemical variation, residue mobility, and thermodynamic stability) indicates that this missense variant is not expected to disrupt PTCH1 protein function with a negative predictive value of 95%. In summary, the available evidence is currently insufficient to determine the role of this variant in disease. Therefore, it has been classified as a Variant of Uncertain Significance.